The following is an entry in ClinVar:

NM_004667.6(HERC2):c.11640C>G (p.Ala3880=)

Gene: HERC2 (HECT and RLD domain containing E3 ubiquitin protein ligase 2; minus strand). Cytogenetic location: 15q13.1.
Variant type: single nucleotide variant.
Coding change: c.11640C>G on transcript NM_004667.6 (MANE Select); coding-DNA position 11640, C replaced by G.
Protein change: p.Ala3880=; no amino-acid change (alanine 3880 retained).
Molecular consequence: synonymous variant.
Genome position (GRCh38, 1-based): chr15:28,142,298, G>C on the plus strand (C>G on the coding strand, the complement: HERC2 is on the minus strand). VCF-style: chr15-28142298-G-C. GRCh37 (hg19) VCF-style: chr15-28387444-G-C.
Other names: c.11640C>G (NM_004667.5).
Identifiers: ClinVar variation 2645040 (VCV002645040.25), dbSNP rs138827571, ClinGen allele CA7440520.

ClinVar aggregate classification (germline): Likely benign. Review status: criteria provided, single submitter (1 of 4 stars). 2 submissions from 2 submitters: Likely benign (1). 1 of the submissions does not count toward it. Last evaluated 2024-12-01.

Conditions:
HERC2-related disorder. Also called: HERC2-related condition.

Allele frequency attached by ClinVar (database versions not stated): ExAC 0.00028; gnomAD 0.00029; TOPMed 0.00029; gnomAD exomes 0.00044; ESP Exome Variant Server 0.00062.
gnomAD v4.1: 702 of 1,614,092 alleles (0.043%); highest among the groups gnomAD compares: Non-Finnish European, 0.055%; 2 homozygotes.

Submissions (2):

CeGaT Center for Human Genetics Tuebingen
Classification: Likely benign. Last evaluated: 2024-12-01. Review status: criteria provided, single submitter. Criteria: CeGaT Center For Human Genetics Tuebingen Variant Classification Criteria Version 2. Collection method: clinical testing. Allele origin: germline. Affected: yes. Observed: 3 variant alleles.
Comment: HERC2: BP4, BP7

PreventionGenetics, part of Exact Sciences
Classification: Likely benign for HERC2-related condition. Last evaluated: 2020-01-08. Review status: no assertion criteria provided. Collection method: clinical testing. Allele origin: germline. Not counted in ClinVar's aggregate classification.
Comment: This variant is classified as likely benign based on ACMG/AMP sequence variant interpretation guidelines (Richards et al. 2015 PMID: 25741868, with internal and published modifications).